The following is an entry in ClinVar:

ClinVar aggregate classification (germline): Pathogenic (1 of 4 stars; one submission).

Submission:

GeneDx
Classification: Pathogenic. Last evaluated: 2018-02-19. Review status: criteria provided, single submitter. Criteria: GeneDx Variant Classification (06012015). Collection method: clinical testing. Allele origin: germline. Affected: yes.
Comment: The c.26dupG variant in the GNS gene has not been reported previously as a pathogenic variant nor as a benign variant, to our knowledge. The c.26dupG variant causes a frameshift starting with codon Arginine 10, changes this amino acid to a Serine residue, and creates a premature Stop codon at position 97 of the new reading frame, denoted p.Arg10SerfsX97. This variant is predicted to cause loss of normal protein function either through protein truncation or nonsense-mediated mRNA decay. The c.26dupG variant is not observed in large population cohorts (Lek et al., 2016). We interpret c.26dupG as a pathogenic variant.

NM_002076.4(GNS):c.26dup (p.Arg10fs)

Gene: GNS (glucosamine (N-acetyl)-6-sulfatase; minus strand). Cytogenetic location: 12q14.3.
Variant type: Duplication.
Coding change: c.26dup on transcript NM_002076.4 (MANE Select); coding-DNA position 26, one base duplicated (G; older notation c.26dupG).
Protein change: p.Arg10fs; shifts the reading frame from arginine 10.
Molecular consequence: frameshift variant.
Genome position (GRCh38, 1-based): chr12:64,759,251, C duplicated on the plus strand (G on the coding strand, the reverse complement: GNS is on the minus strand); the first of 2 consecutive C bases (chr12:64,759,251-64,759,252); duplicating either gives the same sequence. VCF-style (leftmost placement, unchanged base first): chr12-64759250-A-AC. GRCh37 (hg19) VCF-style: chr12-65153030-A-AC.
Other names: c.26dupG (NM_002076.3); short protein forms R10fs.
Identifiers: ClinVar variation 504309 (VCV000504309.2), dbSNP rs1555164555, ClinGen allele CA658797932.
Genomic context (GRCh38, chr12:64,759,250, plus strand): 5'-CAGCAGTAGCAGCGCTGGGCTGCAGGAGGGCAGGTGGCGGGGGCTGCCCCGCCGGAGCCG[A>AC]CCTGGGGCTAGAGGCAGGAGCCGCATAGCGGACAGGCTCCGGGGTGACCCCGGGACGGGA-3'